The following is an entry in ClinVar:

NM_003283.6(TNNT1):c.311A>T (p.Glu104Val)

Gene: TNNT1 (troponin T1, slow skeletal type; minus strand). Cytogenetic location: 19q13.42.
Variant type: single nucleotide variant.
Coding change: c.311A>T on transcript NM_003283.6 (MANE Select); coding-DNA position 311, A replaced by T.
Protein change: p.Glu104Val; replaces glutamic acid 104 with valine.
Molecular consequence: missense variant.
Genome position (GRCh38, 1-based): chr19:55,140,959, T>A on the plus strand (A>T on the coding strand, the complement: TNNT1 is on the minus strand). VCF-style: chr19-55140959-T-A. GRCh37 (hg19) VCF-style: chr19-55652327-T-A.
Other names: c.311A>T, p.Glu104Val (NM_001126132.3); c.278A>T, p.Glu93Val (NM_001126133.3, NM_001291774.2); short protein forms E104V, E93V.
Identifiers: ClinVar variation 940131 (VCV000940131.10), dbSNP rs2085441049, ClinGen allele CA407435103.
Genomic context (GRCh38, chr19:55,140,959, plus strand): 5'-CGTTCGCGTTCCTTCTCAGTTCTGAAGCGCTGTTGCTCGGCTCTCTCTGACCGGCGCCGC[T>A]CCTGGGAAACGGAGAAGCATAAGGGGGTGCAGGGACGTACCCCCAGTCTTCCTTCCCCAG-3'
Protein context (NP_003274.3, residues 94-114): EELVALKERI[Glu104Val]RRRSERAEQQ

ClinVar aggregate classification (germline): Uncertain significance. Review status: criteria provided, single submitter (1 of 4 stars). 2 submissions from 2 submitters: Uncertain significance (1). 1 of the submissions does not count toward it. Last evaluated 2019-08-11.

Conditions:
Nemaline myopathy 5C, autosomal dominant (NEM5C). Identifiers: MedGen C5830549, MONDO:0957284, OMIM 620389.
Nemaline myopathy 5 (NEM5A). Also called: NEMALINE MYOPATHY, AMISH TYPE; Nemaline myopathy 5, Amish type; NEMALINE MYOPATHY 5A, AUTOSOMAL RECESSIVE, SEVERE INFANTILE. Identifiers: Orphanet 98902, MedGen C1854380, MONDO:0011539, OMIM 605355.

Submissions (2):

Labcorp Genetics (formerly Invitae), Labcorp
Classification: Uncertain significance for Nemaline myopathy 5. Last evaluated: 2019-08-11. Review status: criteria provided, single submitter. Criteria: Invitae Variant Classification Sherloc (09022015). Collection method: clinical testing. Allele origin: germline.
Comment: In summary, the available evidence is currently insufficient to determine the role of this variant in disease. Therefore, it has been classified as a Variant of Uncertain Significance. This variant has been observed to segregate with autosomal dominant nemaline myopathy in a family (PMID: 29178646). This variant is not present in population databases (ExAC no frequency). This sequence change replaces glutamic acid with valine at codon 104 of the TNNT1 protein (p.Glu104Val). The glutamic acid residue is highly conserved and there is a moderate physicochemical difference between glutamic acid and valine. Algorithms developed to predict the effect of missense changes on protein structure and function are either unavailable or do not agree on the potential impact of this missense change (SIFT: "Deleterious"; PolyPhen-2: "Probably Damaging"; Align-GVGD: "Class C0"). Algorithms developed to predict the effect of sequence changes on RNA splicing suggest that this variant may create or strengthen a splice site, but this prediction has not been confirmed by published transcriptional studies.

OMIM
Classification: Pathogenic for NEMALINE MYOPATHY 5C, AUTOSOMAL DOMINANT. Last evaluated: 2023-05-30. Review status: no assertion criteria provided. Collection method: literature only. Allele origin: germline. Not counted in ClinVar's aggregate classification.

Literature cited by the submitters: PubMed 29178646 (cited by Labcorp Genetics (formerly Invitae), Labcorp and OMIM); PubMed 14315666 (cited by OMIM); PubMed 5908457 (cited by OMIM); PubMed 35510366 (cited by OMIM).